The following is an entry in ClinVar:

ClinVar aggregate classification (germline): Uncertain significance (1 of 4 stars; one submission).

Conditions:
Hyperaldosteronism, familial, type IV (HALD4). Also called: FH IV; ALDOSTERONISM, PRIMARY, AND HYPERTENSION. Identifiers: Orphanet 642671, MedGen C4310756, MONDO:0014875, OMIM 617027.
Idiopathic generalized epilepsy. Also called: Generalised epilepsy; EIG. Identifiers: MedGen C0270850, MONDO:0005579, OMIM 600669.

gnomAD v4.1: 2 of 1,551,786 alleles (0.00013%); highest among the groups gnomAD compares: Non-Finnish European, 0.00017%; no homozygotes.

Submission:

Labcorp Genetics (formerly Invitae), Labcorp
Classification: Uncertain significance for Idiopathic generalized epilepsy; Hyperaldosteronism, familial, type IV. Last evaluated: 2022-09-01. Review status: criteria provided, single submitter. Criteria: Invitae Variant Classification Sherloc (09022015). Collection method: clinical testing. Allele origin: germline.
Comment: This variant is not present in population databases (gnomAD no frequency). In summary, the available evidence is currently insufficient to determine the role of this variant in disease. Therefore, it has been classified as a Variant of Uncertain Significance. Advanced modeling of protein sequence and biophysical properties (such as structural, functional, and spatial information, amino acid conservation, physicochemical variation, residue mobility, and thermodynamic stability) performed at Invitae indicates that this missense variant is not expected to disrupt CACNA1H protein function. This variant has not been reported in the literature in individuals affected with CACNA1H-related conditions. This sequence change replaces aspartic acid, which is acidic and polar, with glutamic acid, which is acidic and polar, at codon 1897 of the CACNA1H protein (p.Asp1897Glu).

NM_021098.3(CACNA1H):c.5691C>A (p.Asp1897Glu)

Gene: CACNA1H (calcium voltage-gated channel subunit alpha1 H; plus strand). Cytogenetic location: 16p13.3.
Variant type: single nucleotide variant.
Coding change: c.5691C>A on transcript NM_021098.3 (MANE Select); coding-DNA position 5691, C replaced by A.
Protein change: p.Asp1897Glu; replaces aspartic acid 1897 with glutamic acid.
Molecular consequence: missense variant.
Genome position (GRCh38, 1-based): chr16:1,218,455, C>A. VCF-style: chr16-1218455-C-A. GRCh37 (hg19) VCF-style: chr16-1268455-C-A.
Other names: c.5673C>A, p.Asp1891Glu (NM_001005407.2); short protein forms D1897E, D1891E.
Identifiers: ClinVar variation 2042165 (VCV002042165.4), dbSNP rs1596476048, ClinGen allele CA394147702.